The following is an entry in ClinVar:

ClinVar aggregate classification (germline): Uncertain significance (1 of 4 stars; one submission).

Submission:

CeGaT Center for Human Genetics Tuebingen
Classification: Uncertain significance. Last evaluated: 2025-02-01. Review status: criteria provided, single submitter. Criteria: CeGaT Center For Human Genetics Tuebingen Variant Classification Criteria Version 2. Collection method: clinical testing. Allele origin: germline. Affected: yes. Observed: 1 variant allele.
Comment: FAAH2: PM2

NM_174912.4(FAAH2):c.198del (p.Lys66fs)

Gene: FAAH2 (fatty acid amide hydrolase 2; plus strand). Cytogenetic location: Xp11.21.
Variant type: Deletion.
Coding change: c.198del on transcript NM_174912.4 (MANE Select); coding-DNA position 198, one base deleted (A; older notation c.198delA).
Protein change: p.Lys66fs; shifts the reading frame from lysine 66.
Molecular consequence: frameshift variant. On other transcripts: non-coding transcript variant (2).
Genome position (GRCh38, 1-based): chrX:57,292,503, A deleted; the last of 3 consecutive A bases (chrX:57,292,501-57,292,503); deleting any one gives the same sequence. VCF-style (leftmost placement, unchanged base first): chrX-57292500-GA-G. GRCh37 (hg19) VCF-style: chrX-57318933-GA-G.
Other names: c.198del, p.Lys66fs (NM_001353840.1, NM_001353841.1); short protein forms K66fs.
Identifiers: ClinVar variation 3771625 (VCV003771625.13).